The following is an entry in ClinVar:

NM_003283.6(TNNT1):c.77C>A (p.Pro26His)

Gene: TNNT1 (troponin T1, slow skeletal type; minus strand). Cytogenetic location: 19q13.42.
Variant type: single nucleotide variant.
Coding change: c.77C>A on transcript NM_003283.6 (MANE Select); coding-DNA position 77, C replaced by A.
Protein change: p.Pro26His; replaces proline 26 with histidine.
Molecular consequence: missense variant. On other transcripts: intron variant (2).
Genome position (GRCh38, 1-based): chr19:55,146,463, G>T on the plus strand (C>A on the coding strand, the complement: TNNT1 is on the minus strand). VCF-style: chr19-55146463-G-T. GRCh37 (hg19) VCF-style: chr19-55657831-G-T.
Other names: c.77C>A, p.Pro26His (NM_001126132.3); c.73+218C>A (NM_001126133.3, NM_001291774.2); short protein forms P26H.
Identifiers: ClinVar variation 1020293 (VCV001020293.7), dbSNP rs1049167818, ClinGen allele CA310139297.

ClinVar aggregate classification (germline): Uncertain significance (1 of 4 stars; one submission).

Conditions:
Nemaline myopathy 5 (NEM5A). Also called: Nemaline myopathy 5, Amish type; NEMALINE MYOPATHY, AMISH TYPE; NEMALINE MYOPATHY 5A, AUTOSOMAL RECESSIVE, SEVERE INFANTILE. Identifiers: Orphanet 98902, MedGen C1854380, MONDO:0011539, OMIM 605355.

Allele frequency attached by ClinVar (database versions not stated): gnomAD exomes below 0.00001 and 0.00002; gnomAD 0.00001; TOPMed 0.00002.

Submission:

Labcorp Genetics (formerly Invitae), Labcorp
Classification: Uncertain significance for Nemaline myopathy 5. Last evaluated: 2024-10-17. Review status: criteria provided, single submitter. Criteria: Invitae Variant Classification Sherloc (09022015). Collection method: clinical testing. Allele origin: germline.
Comment: This sequence change replaces proline, which is neutral and non-polar, with histidine, which is basic and polar, at codon 26 of the TNNT1 protein (p.Pro26His). The frequency data for this variant in the population databases is considered unreliable, as metrics indicate poor data quality at this position in the gnomAD database. This variant has not been reported in the literature in individuals affected with TNNT1-related conditions. ClinVar contains an entry for this variant (Variation ID: 1020293). Experimental studies and prediction algorithms are not available or were not evaluated, and the functional significance of this variant is currently unknown. In summary, the available evidence is currently insufficient to determine the role of this variant in disease. Therefore, it has been classified as a Variant of Uncertain Significance.